The following is an entry in ClinVar:

ClinVar aggregate classification (germline): Conflicting classifications of pathogenicity. Review status: criteria provided, conflicting classifications (1 of 4 stars). 3 submissions from 3 submitters: Likely pathogenic (1); Uncertain significance (2). Last evaluated 2024-09-20.

Conditions:
Benign neonatal seizures. Also called: Convulsions benign familial neonatal dominant form; Autosomal dominant form of benign neonatal seizures; Benign neonatal familial convulsions; Benign familial neonatal seizures; Benign familial neonatal epilepsy. Identifiers: Orphanet 1949, MedGen C0220669, MONDO:0016027.
Seizures, benign familial neonatal, 2. Also called: Seizures, benign neonatal, 2; CONVULSIONS, BENIGN FAMILIAL NEONATAL, 2; KCNQ3-Related Self-Limited Familial Neonatal Epilepsy (SLFNE); Benign Neonatal Epilepsy 2; KCNQ3-Related Benign Familial Neonatal Epilepsy. Identifiers: Orphanet 1949, MedGen C1852581, MONDO:0007366, OMIM 121201.

Allele frequency attached by ClinVar (database versions not stated): gnomAD exomes below 0.00001.
gnomAD v4.1: 2 of 1,614,104 alleles (0.00012%); highest among the groups gnomAD compares: Non-Finnish European, 0.00017%; no homozygotes.

Submissions (3):

Genetics Department, Catlab
Classification: Likely pathogenic for Seizures, benign familial neonatal, 2. Last evaluated: 2024-09-20. Review status: criteria provided, single submitter. Criteria: ACMG Guidelines, 2015. Collection method: clinical testing. Allele origin: germline. Affected: yes. Observed: 1 variant allele.
Comment: The c.508G>A variant in the KCNQ3 gene has not been previously found in patients to our knowledge. It is present in gnomAD 4.0 (AF=1.2e-06) with an extremely low frequency (PM2) and the REVEL score predicts a pathogenic effect with a value of 0.964 (PP3_Strong). With all the available evidence, the variant is classified as likely pathogenic.

Blueprint Genetics
Classification: Uncertain significance. Last evaluated: 2021-07-27. Review status: criteria provided, single submitter. Criteria: ACMG Guidelines, 2015. Collection method: clinical testing. Allele origin: germline.

Labcorp Genetics (formerly Invitae), Labcorp
Classification: Uncertain significance for Benign neonatal seizures. Last evaluated: 2021-05-06. Review status: criteria provided, single submitter. Criteria: Invitae Variant Classification Sherloc (09022015). Collection method: clinical testing. Allele origin: germline.
Comment: In summary, the available evidence is currently insufficient to determine the role of this variant in disease. Therefore, it has been classified as a Variant of Uncertain Significance. Algorithms developed to predict the effect of missense changes on protein structure and function (SIFT, PolyPhen-2, Align-GVGD) all suggest that this variant is likely to be disruptive, but these predictions have not been confirmed by published functional studies and their clinical significance is uncertain. This variant has not been reported in the literature in individuals with KCNQ3-related conditions. This variant is not present in population databases (ExAC no frequency). This sequence change replaces glutamic acid with lysine at codon 170 of the KCNQ3 protein (p.Glu170Lys). The glutamic acid residue is highly conserved and there is a small physicochemical difference between glutamic acid and lysine.

NM_004519.4(KCNQ3):c.508G>A (p.Glu170Lys)

Gene: KCNQ3 (potassium voltage-gated channel subfamily Q member 3; minus strand). Cytogenetic location: 8q24.22.
Variant type: single nucleotide variant.
Coding change: c.508G>A on transcript NM_004519.4 (MANE Select); coding-DNA position 508, G replaced by A.
Protein change: p.Glu170Lys; replaces glutamic acid 170 with lysine.
Molecular consequence: missense variant.
Genome position (GRCh38, 1-based): chr8:132,184,337, C>T on the plus strand (G>A on the coding strand, the complement: KCNQ3 is on the minus strand). VCF-style: chr8-132184337-C-T. GRCh37 (hg19) VCF-style: chr8-133196584-C-T.
Other names: c.148G>A, p.Glu50Lys (NM_001204824.2); short protein forms E50K, E170K.
Identifiers: ClinVar variation 1036952 (VCV001036952.10), dbSNP rs1826889658, ClinGen allele CA372291240.